The following is an entry in ClinVar:

NM_175875.5(SIX5):c.1940T>G (p.Phe647Cys)

Gene: SIX5 (SIX homeobox 5; minus strand). Cytogenetic location: 19q13.32.
Variant type: single nucleotide variant.
Coding change: c.1940T>G on transcript NM_175875.5 (MANE Select); coding-DNA position 1940, T replaced by G.
Protein change: p.Phe647Cys; replaces phenylalanine 647 with cysteine.
Molecular consequence: missense variant.
Genome position (GRCh38, 1-based): chr19:45,765,781, A>C on the plus strand (T>G on the coding strand, the complement: SIX5 is on the minus strand). VCF-style: chr19-45765781-A-C. GRCh37 (hg19) VCF-style: chr19-46269039-A-C.
Other names: short protein forms F647C.
Identifiers: ClinVar variation 2630886 (VCV002630886.2), dbSNP rs1969057144, ClinGen allele CA406416572.

ClinVar aggregate classification (germline): Uncertain significance. Review status: criteria provided, multiple submitters, no conflicts (2 of 4 stars). 2 submissions from 2 submitters: Uncertain significance (2). Last evaluated 2024-02-14.

Conditions:
Branchiootorenal syndrome 2 (BOR2). Identifiers: Orphanet 107, MedGen C1970479, MONDO:0012575, OMIM 610896.
SIX5-related disorder. Also called: SIX5-related condition.

Allele frequency attached by ClinVar (database versions not stated): gnomAD exomes below 0.00001; TOPMed below 0.00001.
gnomAD v4.1: 1 of 1,607,532 alleles (0.000062%); highest among the groups gnomAD compares: African/African-American, 0.0013%; no homozygotes.

Submissions (2):

Fulgent Genetics
Classification: Uncertain significance for Branchiootorenal syndrome 2. Last evaluated: 2024-02-14. Review status: criteria provided, single submitter. Criteria: ACMG Guidelines, 2015. Collection method: clinical testing. Allele origin: germline.

PreventionGenetics, part of Exact Sciences
Classification: Uncertain significance for SIX5-related condition. Last evaluated: 2023-09-13. Review status: criteria provided, single submitter. Criteria: ACMG Guidelines, 2015. Collection method: clinical testing. Allele origin: germline.
Comment: The SIX5 c.1940T>G variant is predicted to result in the amino acid substitution p.Phe647Cys. To our knowledge, this variant has not been reported in the literature or in a large population database, indicating this variant is rare. At this time, the clinical significance of this variant is uncertain due to the absence of conclusive functional and genetic evidence.